The following is an entry in ClinVar:

NM_000284.4(PDHA1):c.853C>T (p.Gln285Ter)

Gene: PDHA1 (pyruvate dehydrogenase E1 subunit alpha 1; plus strand). Cytogenetic location: Xp22.12.
Variant type: single nucleotide variant.
Coding change: c.853C>T on transcript NM_000284.4 (MANE Select); coding-DNA position 853, C replaced by T.
Protein change: p.Gln285Ter; replaces glutamine 285 with a stop codon.
Molecular consequence: nonsense.
Genome position (GRCh38, 1-based): chrX:19,357,673, C>T. VCF-style: chrX-19357673-C-T. GRCh37 (hg19) VCF-style: chrX-19375791-C-T.
Other names: c.967C>T, p.Gln323Ter (NM_001173454.2); c.874C>T, p.Gln292Ter (NM_001173455.2); c.760C>T, p.Gln254Ter (NM_001173456.2); short protein forms Q254*, Q285*, Q292*, Q323*.
Identifiers: ClinVar variation 4070510 (VCV004070510.1).
Genomic context (GRCh38, chrX:19,357,673, plus strand): 5'-CGTTCCTAACTAACTAACTGCCTACCGGTTCTGTTTTAGGGGCCCATCCTGATGGAGCTG[C>T]AGACTTACCGTTACCACGGACACAGTATGAGTGACCCTGGAGTCAGGTACGCTCATGGGC-3'

ClinVar aggregate classification (germline): Pathogenic (0 of 4 stars; one submission).

Conditions:
Pyruvate dehydrogenase E1-alpha deficiency (PDHAD). Also called: ATAXIA, INTERMITTENT, WITH PYRUVATE DEHYDROGENASE DEFICIENCY; ATAXIA WITH LACTIC ACIDOSIS I; ATAXIA, INTERMITTENT, WITH ABNORMAL PYRUVATE METABOLISM; Ataxia, intermittent, with pyruvate dehydrogenase, or decarboxylase, deficiency. Identifiers: Orphanet 79243, MedGen C1839413, MONDO:0010717, OMIM 312170.

Submission:

PDHA1 Study Group, University Children’s Hospital, Paracelsus Medical University
Classification: Pathogenic for Pyruvate dehydrogenase E1-alpha deficiency. Last evaluated: 2024-10-15. Review status: no assertion criteria provided. Collection method: research. Allele origin: inherited. Affected: yes. Observed: 2 variant alleles.
Comment: The NM_000284.3:c.853C>T (p.Gln285Ter) change is a nonsense variant in PDHA1 gene. This variant is predicted to result in nonsense-mediated decay (NMD). In total, 2 individuals were diagnosed with PDHA1-related Pyruvate dehydrogenase complex (PDHc) deficiency (MIM #312170). Among them, 1 were confirmed inherited. The variant has been reported in 1 published case (PMIDs: 24718837). Last literature search: July 12, 2024. This variant is absent or extremely rare in population-based cohorts in the Genome Aggregation Database (gnomAD). Individuals harboring this variant presented with clinical features compatible with PDHA1-related PDHc deficiency. In summary, this variant meets criteria to be classified as pathogenic (P) for PDHA1-related PDHc deficiency based on the ACMG/AMP criteria applied: PVS1, PS3, PM2, PM7 (last assessment October 15, 2024).

Literature cited by the submitters: PubMed 24718837; DOI 10.1093/brain/awaf430.